The following is an entry in ClinVar:

NM_000288.4(PEX7):c.618G>A (p.Trp206Ter)

Gene: PEX7 (peroxisomal biogenesis factor 7; plus strand). Cytogenetic location: 6q23.3.
Variant type: single nucleotide variant.
Coding change: c.618G>A on transcript NM_000288.4 (MANE Select); coding-DNA position 618, G replaced by A.
Protein change: p.Trp206Ter; replaces tryptophan 206 with a stop codon.
Molecular consequence: nonsense.
Genome position (GRCh38, 1-based): chr6:136,866,718, G>A. VCF-style: chr6-136866718-G-A. GRCh37 (hg19) VCF-style: chr6-137187856-G-A.
Other names: short protein forms W206*.
Identifiers: ClinVar variation 189076 (VCV000189076.22), dbSNP rs61753245, ClinGen allele CA274350.
Genomic context (GRCh38, chr6:136,866,718, plus strand): 5'-GGCAGCAGGAGTAAGAATCGTGATTCCTGCACATCAGGCAGAAATCTTGAGTTGTGACTG[G>A]TGTAAATACAATGAGGTATAGTGTATGGCTCTATCCTATGCTGCTGTCCTTCCTAATGTT-3'

ClinVar aggregate classification (germline): Pathogenic/Likely pathogenic. Review status: criteria provided, multiple submitters, no conflicts (2 of 4 stars). 11 submissions from 10 submitters: Pathogenic (5); Likely pathogenic (5). 1 of the submissions does not count toward it. Last evaluated 2025-10-10.

Conditions:
PEX7-related disorder. Also called: PEX7-related disorders; PEX7-related condition. Identifiers: MedGen CN239409.
Rhizomelic chondrodysplasia punctata (RCDP). Identifiers: Orphanet 177, MedGen C0282529, MONDO:0015776. Disease mechanism: loss of function.
Peroxisome biogenesis disorder 9B. Also called: PEROXISOME BIOGENESIS DISORDER, PEX7-RELATED, ATYPICAL; PEX7-Related Refsum Disease; Refsum disease, adult, 2. Identifiers: Orphanet 773, MedGen C2749346, MONDO:0013945, OMIM 614879.
Rhizomelic chondrodysplasia punctata type 1 (RCDP1). Also called: PEROXISOME BIOGENESIS DISORDER 9; CHONDRODYSTROPHIA CALCIFICANS PUNCTATA; PEX7-Related Rhizomelic Chondrodysplasia Punctata. Identifiers: Orphanet 177, Orphanet 309789, MedGen C1859133, MONDO:0008972, OMIM 215100. Disease mechanism: loss of function.

Allele frequency attached by ClinVar (database versions not stated): gnomAD exomes 0.00001; ExAC 0.00002; gnomAD 0.00004 and 0.00005; TOPMed 0.00004; 1000 Genomes Project 30x 0.00031; 1000 Genomes Project 0.00040.
gnomAD v4.1: 12 of 1,613,554 alleles (0.00074%); highest among the groups gnomAD compares: African/African-American, 0.013%; no homozygotes.

Submissions (11):

Natera, Inc.
Classification: Likely pathogenic for Rhizomelic Chondrodysplasia Punctata. Last evaluated: 2025-10-10. Review status: criteria provided, single submitter. Criteria: Natera Variant Classification Schema (03/2026). Collection method: clinical testing. Allele origin: germline.
Comment: The c.618G>A variant in PEX7 is a nonsense variant predicted to introduce a stop codon at amino acid 206. This variant is expected to result in nonsense mediated decay, truncation, or a dysfunctional protein product. This variant is rare in the general population with a frequency below the threshold expected for the associated phenotype(s). Given the available evidence, this variant is classified as Likely Pathogenic.

GeneDx
Classification: Pathogenic. Last evaluated: 2025-02-20. Review status: criteria provided, single submitter. Criteria: GeneDx Variant Classification Process June 2021. Collection method: clinical testing. Allele origin: germline. Affected: yes.
Comment: Nonsense variant predicted to result in protein truncation or nonsense mediated decay in a gene for which loss of function is a known mechanism of disease; Not observed at significant frequency in large population cohorts (gnomAD); This variant is associated with the following publications: (PMID: 25525159, 34229749, 22057399, 31964843, 21465523, 12325024)

ARUP Laboratories, Molecular Genetics and Genomics, ARUP Laboratories
Classification: Likely pathogenic. Last evaluated: 2024-12-20. Review status: criteria provided, single submitter. Criteria: ARUP Molecular Germline Variant Investigation Process 2024. Collection method: clinical testing. Allele origin: germline.
Comment: The PEX7 c.618G>A; p.Trp206Ter variant (rs61753245, ClinVar Variation ID: 189076), is reported in the literature in an individual affected with rhizomelic chondrodysplasia punctata along with a second PEX7 variant (Braverman 2002). This variant is found in the African population with an allele frequency of 0.01% (2/16,256 alleles) in the Genome Aggregation Database (v2.1.1). This variant induces an early termination codon and is predicted to result in a truncated protein or mRNA subject to nonsense-mediated decay. Based on available information, this variant is considered to be likely pathogenic. References: Braverman N et al. Mutation analysis of PEX7 in 60 probands with rhizomelic chondrodysplasia punctata and functional correlations of genotype with phenotype. Hum Mutat. 2002 Oct;20(4):284-97. PMID: 12325024.

Labcorp Genetics (formerly Invitae), Labcorp
Classification: Pathogenic for Peroxisome biogenesis disorder 9B. Last evaluated: 2024-08-07. Review status: criteria provided, single submitter. Criteria: Invitae Variant Classification Sherloc (09022015). Collection method: clinical testing. Allele origin: germline.
Comment: This sequence change creates a premature translational stop signal (p.Trp206*) in the PEX7 gene. It is expected to result in an absent or disrupted protein product. Loss-of-function variants in PEX7 are known to be pathogenic (PMID: 12325024, 12522768, 20301447). This variant is present in population databases (rs61753245, gnomAD 0.01%). This premature translational stop signal has been observed in individual(s) with clinical features of rhizomelic chondrodysplasia punctata (PMID: 12325024). ClinVar contains an entry for this variant (Variation ID: 189076). Algorithms developed to predict the effect of sequence changes on RNA splicing suggest that this variant may disrupt the consensus splice site. For these reasons, this variant has been classified as Pathogenic.

Baylor Genetics
Classification: Pathogenic for Peroxisome biogenesis disorder 9B. Last evaluated: 2024-02-06. Review status: criteria provided, single submitter. Criteria: ACMG Guidelines, 2015. Collection method: clinical testing. Allele origin: unknown.

Revvity Omics, Revvity
Classification: Likely pathogenic. Last evaluated: 2022-07-23. Review status: criteria provided, single submitter. Criteria: ACMG Guidelines, 2015. Collection method: clinical testing. Allele origin: germline.

Women's Health and Genetics/Laboratory Corporation of America, LabCorp
Classification: Pathogenic for Rhizomelic chondrodysplasia punctata type 1. Last evaluated: 2021-02-21. Review status: criteria provided, single submitter. Criteria: LabCorp Variant Classification Summary - May 2015. Collection method: clinical testing. Allele origin: germline.
Comment: Variant summary: PEX7 c.618G>A (p.Trp206X) results in a premature termination codon, predicted to cause a truncation of the encoded protein or absence of the protein due to nonsense mediated decay, which are commonly known mechanisms for disease. Truncations downstream of this position have been classified as pathogenic by our laboratory. The variant allele was found at a frequency of 1.2e-05 in 251332 control chromosomes. c.618G>A has been reported in the literature in at-least one individual affected with Rhizomelic Chondrodysplasia Punctata Type 1 and subsequently cited by others (example, Braverman_2002, Dranchak_2011). At least one publication reports experimental evidence supporting the presence of a truncated form of this protein in transfected cells that did not demonstrate measurable nonsense supression in the presence of PTC124 (ataluren) (Dranchak_2011). Two clinical diagnostic laboratories have submitted clinical-significance assessments for this variant to ClinVar after 2014 without evidence for independent evaluation. All laboratories classified the variant as pathogenic/likely pathogenic citing overlapping evidence utilized in the context of this evaluation. Based on the evidence outlined above, the variant was classified as pathogenic.

Blueprint Genetics
Classification: Likely pathogenic for PEX7-related disorders. Last evaluated: 2019-08-09. Review status: criteria provided, single submitter. Criteria: ACMG Guidelines, 2015. Collection method: clinical testing. Allele origin: germline. Affected: yes. Observed: 2 variant alleles.

Athena Diagnostics
Classification: Likely pathogenic. Last evaluated: 2018-10-31. Review status: criteria provided, single submitter. Criteria: Athena Diagnostics Criteria. Collection method: clinical testing. Allele origin: germline.
Comment: The variant creates a premature nonsense codon, and is therefore predicted to significantly disrupt the protein structure. The best available variant frequency is uninformative because it is below the disease allele frequency.

Baylor Genetics
Classification: Pathogenic for Rhizomelic chondrodysplasia punctata type 1. Review status: criteria provided, single submitter. Criteria: ACMG Guidelines, 2015. Collection method: clinical testing. Allele origin: germline.

Counsyl
Classification: Likely pathogenic for Rhizomelic chondrodysplasia punctata type 1. Last evaluated: 2014-11-26. Review status: no assertion criteria provided. Collection method: literature only. Allele origin: unknown. Inheritance: Autosomal recessive inheritance. Not counted in ClinVar's aggregate classification.

Literature cited by the submitters: PubMed 12325024 (cited by 4 submitters); PubMed 12522768 (cited by Labcorp Genetics (formerly Invitae), Labcorp); PubMed 20301447 (cited by Labcorp Genetics (formerly Invitae), Labcorp); PubMed 21465523 (cited by Women's Health and Genetics/Laboratory Corporation of America, LabCorp and Counsyl); PubMed 22057399 (cited by Counsyl).